The following is an entry in ClinVar:

ClinVar aggregate classification (germline): Likely benign. Review status: reviewed by expert panel (3 of 4 stars). 4 submissions from 4 submitters: Likely benign (1). 3 of the submissions do not count toward it. Last evaluated 2024-02-19.

Conditions:
Hereditary antithrombin deficiency (AT3D). Also called: Antithrombin III deficiency; Thrombophilia due to antithrombin III deficiency; Reduced antithrombin III activity; Antithrombin deficiency. Identifiers: Orphanet 82, MedGen C0272375, MONDO:0013144, OMIM 613118, HP:0001976.

Allele frequency attached by ClinVar (database versions not stated): ESP Exome Variant Server 0.00015; 1000 Genomes Project 30x 0.00016; ExAC 0.00017; gnomAD exomes 0.00019; 1000 Genomes Project 0.00020; gnomAD 0.00029 and 0.00031; TOPMed 0.00029.
gnomAD v4.1: 637 of 1,614,034 alleles (0.039%); highest among the groups gnomAD compares: Non-Finnish European, 0.049%; 1 homozygote.

Submissions (4):

Clingen Thrombosis Variant Curation Expert Panel, ClinGen
Classification: Likely benign for Hereditary antithrombin deficiency. Last evaluated: 2024-02-19. Review status: reviewed by expert panel. Criteria: ClinGen ACMG Specifications SERPINC1 V1.0.0. Collection method: curation. Allele origin: germline. Inheritance: Autosomal dominant inheritance.
Comment: The c.29C>A (NM_000488.3) variant in SERPINC1 is a missense variant predicted to cause substitution of threonine by asparagine at amino acid 10 (p.Thr10Asn). The highest population minor allele frequency in gnomAD v2.1.1 is 0.0003178 (41/129000 alleles) in the European population, which is higher than the ClinGen SERPINC1 threshold ([>0.0002]) for BS1, and therefore meets this criterion (BS1). The computational predictor REVEL gives a score of 0.141, which is below the threshold of 0.3, and the splice site predictor Splice AI indicate that the variant has no impact on splicing, which suggests that the variant does not impact SERPINC1 function (BP4). In summary, this variant meets criteria to be classified as likely benign. ACMG/AMP criteria applied, as specified by the Thrombosis Variant Curation Expert Panel for SERPINC1: BS1, BP4

Labcorp Genetics (formerly Invitae), Labcorp
Classification: Likely benign for Hereditary antithrombin deficiency. Last evaluated: 2026-02-03. Review status: criteria provided, single submitter. Criteria: Invitae Variant Classification Sherloc (09022015). Collection method: clinical testing. Allele origin: germline. Not counted in ClinVar's aggregate classification.

Mayo Clinic Laboratories, Mayo Clinic
Classification: Uncertain significance. Last evaluated: 2022-08-26. Review status: criteria provided, single submitter. Criteria: ACMG Guidelines, 2015. Collection method: clinical testing. Allele origin: germline. Observed: 2 variant alleles. Not counted in ClinVar's aggregate classification.
Comment: BP4

Illumina Laboratory Services, Illumina
Classification: Uncertain significance for Hereditary antithrombin deficiency. Last evaluated: 2018-01-12. Review status: criteria provided, single submitter. Criteria: ICSL Variant Classification Criteria 13 December 2019. Collection method: clinical testing. Allele origin: germline. Not counted in ClinVar's aggregate classification.

NM_000488.4(SERPINC1):c.29C>A (p.Thr10Asn)

Gene: SERPINC1 (serpin family C member 1; minus strand). Cytogenetic location: 1q25.1.
Variant type: single nucleotide variant.
Coding change: c.29C>A on transcript NM_000488.4 (MANE Select); coding-DNA position 29, C replaced by A.
Protein change: p.Thr10Asn; replaces threonine 10 with asparagine.
Molecular consequence: missense variant. On other transcripts: 5 prime UTR variant (1), intron variant (1).
Genome position (GRCh38, 1-based): chr1:173,917,231, G>T on the plus strand (C>A on the coding strand, the complement: SERPINC1 is on the minus strand). VCF-style: chr1-173917231-G-T. GRCh37 (hg19) VCF-style: chr1-173886369-G-T.
Other names: p.Thr10Asn; NM_000488.4(SERPINC1):c.29C>A; c.-285C>A (NM_001365052.2); c.29C>A, p.Thr10Asn (NM_001386302.1, NM_001386304.1, NM_001386305.1 and 1 more transcripts); c.24+5C>A (NM_001386303.1); short protein forms T10N.
Identifiers: ClinVar variation 870846 (VCV000870846.24), dbSNP rs61736655, ClinGen allele CA1251493.